The following is an entry in ClinVar:

NM_145290.4(ADGRA3):c.2395G>A (p.Val799Met)

Gene: ADGRA3 (adhesion G protein-coupled receptor A3; minus strand). Cytogenetic location: 4p15.2.
Variant type: single nucleotide variant.
Coding change: c.2395G>A on transcript NM_145290.4 (MANE Select); coding-DNA position 2395, G replaced by A.
Protein change: p.Val799Met; replaces valine 799 with methionine.
Molecular consequence: missense variant.
Genome position (GRCh38, 1-based): chr4:22,401,517, C>T on the plus strand (G>A on the coding strand, the complement: ADGRA3 is on the minus strand). VCF-style: chr4-22401517-C-T. GRCh37 (hg19) VCF-style: chr4-22403140-C-T.
Other names: short protein forms V799M.
Identifiers: ClinVar variation 1063330 (VCV001063330.9), dbSNP rs778449412, ClinGen allele CA2873643.

ClinVar aggregate classification (germline): Uncertain significance (1 of 4 stars; one submission).

Allele frequency attached by ClinVar (database versions not stated): gnomAD exomes below 0.00001; ExAC 0.00001; TOPMed 0.00001.
gnomAD v4.1: 2 of 1,609,356 alleles (0.00012%); highest among the groups gnomAD compares: Admixed American, 0.0017%; no homozygotes.

Submission:

Labcorp Genetics (formerly Invitae), Labcorp
Classification: Uncertain significance. Last evaluated: 2026-01-12. Review status: criteria provided, single submitter. Criteria: Invitae Variant Classification Sherloc (09022015). Collection method: clinical testing. Allele origin: germline.
Comment: This sequence change replaces valine, which is neutral and non-polar, with methionine, which is neutral and non-polar, at codon 799 of the ADGRA3 protein (p.Val799Met). This variant is present in population databases (rs778449412, gnomAD 0.003%). This variant has not been reported in the literature in individuals affected with ADGRA3-related conditions. ClinVar contains an entry for this variant (Variation ID: 1063330). An algorithm developed to predict the effect of missense changes on protein structure and function (PolyPhen-2) suggests that this variant is likely to be disruptive. In summary, the available evidence is currently insufficient to determine the role of this variant in disease. Therefore, it has been classified as a Variant of Uncertain Significance.